The following is an entry in ClinVar:

NM_173660.5(DOK7):c.1067C>A (p.Ala356Glu)

Gene: DOK7 (docking protein 7; plus strand). Cytogenetic location: 4p16.3.
Variant type: single nucleotide variant.
Coding change: c.1067C>A on transcript NM_173660.5 (MANE Select); coding-DNA position 1067, C replaced by A.
Protein change: p.Ala356Glu; replaces alanine 356 with glutamic acid.
Molecular consequence: missense variant. On other transcripts: 3 prime UTR variant (1).
Genome position (GRCh38, 1-based): chr4:3,493,053, C>A. VCF-style: chr4-3493053-C-A. GRCh37 (hg19) VCF-style: chr4-3494780-C-A.
Other names: c.*288C>A (NM_001164673.2); c.137C>A, p.Ala46Glu (NM_001256896.2); c.1067C>A, p.Ala356Glu (NM_001301071.2); c.635C>A, p.Ala212Glu (NM_001363811.2); short protein forms A356E, A46E, A212E.
Identifiers: ClinVar variation 843957 (VCV000843957.10), dbSNP rs368512847, ClinGen allele CA356117293.

ClinVar aggregate classification (germline): Uncertain significance. Review status: criteria provided, multiple submitters, no conflicts (2 of 4 stars). 3 submissions from 3 submitters: Uncertain significance (3). Last evaluated 2025-12-11.

Conditions:
Fetal akinesia deformation sequence 1 (FADS1). Also called: Pena-Shokeir syndrome type I; Fetal akinesia sequence. Identifiers: Orphanet 994, MedGen C1276035, MONDO:0100101, OMIM 208150, HP:0001989.
Congenital myasthenic syndrome 10. Also called: Myasthenia, limb-girdle, familial. Identifiers: Orphanet 590, MedGen C1850792, MONDO:0009690, OMIM 254300.
Inborn genetic diseases. Identifiers: MedGen C0950123, MeSH D030342.

Allele frequency attached by ClinVar (database versions not stated): TOPMed 0.00003.

Submissions (3):

Ambry Genetics
Classification: Uncertain significance for Inborn genetic diseases. Last evaluated: 2025-12-11. Review status: criteria provided, single submitter. Criteria: Ambry Variant Classification Scheme 2023. Collection method: clinical testing. Allele origin: germline.

Labcorp Genetics (formerly Invitae), Labcorp
Classification: Uncertain significance for Congenital myasthenic syndrome 10; Fetal akinesia deformation sequence 1. Last evaluated: 2021-08-30. Review status: criteria provided, single submitter. Criteria: Invitae Variant Classification Sherloc (09022015). Collection method: clinical testing. Allele origin: germline.
Comment: This sequence change replaces alanine with glutamic acid at codon 356 of the DOK7 protein (p.Ala356Glu). The alanine residue is moderately conserved and there is a moderate physicochemical difference between alanine and glutamic acid. The frequency data for this variant in the population databases is considered unreliable, as metrics indicate insufficient coverage at this position in the ExAC database. This variant has not been reported in the literature in individuals affected with DOK7-related conditions. Algorithms developed to predict the effect of missense changes on protein structure and function are either unavailable or do not agree on the potential impact of this missense change (SIFT: "Deleterious"; PolyPhen-2: "Possibly Damaging"; Align-GVGD: "Class C0"). In summary, the available evidence is currently insufficient to determine the role of this variant in disease. Therefore, it has been classified as a Variant of Uncertain Significance.

Revvity Omics, Revvity
Classification: Uncertain significance. Last evaluated: 2019-12-09. Review status: criteria provided, single submitter. Criteria: ACMG Guidelines, 2015. Collection method: clinical testing. Allele origin: germline.